The following is an entry in ClinVar:

ClinVar aggregate classification (germline): Benign. Review status: criteria provided, multiple submitters, no conflicts (2 of 4 stars). 9 submissions from 8 submitters: Benign (6). 3 of the submissions do not count toward it. Last evaluated 2025-02-16.

Conditions:
Retinitis pigmentosa 88. Identifiers: MedGen C5394208, MONDO:0032940, OMIM 618826.
Occult macular dystrophy (OCMD). Also called: OCCULT MACULAR DYSTROPHY, SUSCEPTIBILITY TO; OMD. Identifiers: Orphanet 247834, MedGen C3150833, MONDO:0013316, OMIM 613587, HP:0030636.

Allele frequency attached by ClinVar (database versions not stated): gnomAD exomes 0.21848; gnomAD 0.40697 and 0.44121.
gnomAD v4.1: 165,013 of 679,078 alleles (24%); highest among the groups gnomAD compares: Admixed American, 43%; 23,485 homozygotes.

Submissions (9):

Laboratory of Genetics, Children's Clinical University Hospital Latvia
Classification: Benign. Last evaluated: 2025-02-16. Review status: criteria provided, single submitter. Criteria: ACMG Guidelines, 2015. Collection method: clinical testing. Allele origin: germline. Affected: yes.

Genome-Nilou Lab
Classification: Benign for Occult macular dystrophy. Last evaluated: 2021-11-07. Review status: criteria provided, single submitter. Criteria: ACMG Guidelines, 2015. Collection method: clinical testing. Allele origin: germline. Affected: no.

Genome-Nilou Lab
Classification: Benign for Retinitis pigmentosa 88. Last evaluated: 2021-11-07. Review status: criteria provided, single submitter. Criteria: ACMG Guidelines, 2015. Collection method: clinical testing. Allele origin: germline. Affected: no.

GeneDx
Classification: Benign. Last evaluated: 2018-10-10. Review status: criteria provided, single submitter. Criteria: GeneDx Variant Classification Process June 2021. Collection method: clinical testing. Allele origin: germline. Affected: yes.

Illumina Laboratory Services, Illumina
Classification: Benign for Occult macular dystrophy. Last evaluated: 2018-01-12. Review status: criteria provided, single submitter. Criteria: ICSL Variant Classification Criteria 13 December 2019. Collection method: clinical testing. Allele origin: germline.
Comment: This variant was observed in the ICSL laboratory as part of a predisposition screen in an ostensibly healthy population. It had not been previously curated by ICSL or reported in the Human Gene Mutation Database (HGMD: prior to June 1st, 2018), and was therefore a candidate for classification through an automated scoring system. Utilizing variant allele frequency, disease prevalence and penetrance estimates, and inheritance mode, an automated score was calculated to assess if this variant is too frequent to cause the disease. Based on the score and internal cut-off values, a variant classified as benign is not then subjected to further curation. The score for this variant resulted in a classification of benign for this disease.

Breakthrough Genomics
Classification: Benign. Review status: criteria provided, single submitter. Criteria: ACMG Guidelines, 2015. Collection method: not provided. Allele origin: germline. Inheritance: Autosomal recessive inheritance. Affected: yes.

Clinical Genetics DNA and cytogenetics Diagnostics Lab, Erasmus MC, Erasmus Medical Center
Classification: Benign. Review status: no assertion criteria provided. Collection method: clinical testing. Allele origin: germline. Affected: yes. Study: VKGL Data-share Consensus. Not counted in ClinVar's aggregate classification.

Diagnostic Laboratory, Department of Genetics, University Medical Center Groningen
Classification: Benign. Review status: no assertion criteria provided. Collection method: clinical testing. Allele origin: germline. Affected: yes. Study: VKGL Data-share Consensus. Not counted in ClinVar's aggregate classification.

Joint Genome Diagnostic Labs from Nijmegen and Maastricht, Radboudumc and MUMC+
Classification: Benign. Review status: no assertion criteria provided. Collection method: clinical testing. Allele origin: germline. Affected: yes. Study: VKGL Data-share Consensus. Not counted in ClinVar's aggregate classification.

NM_178857.6(RP1L1):c.3956C>G (p.Ala1319Gly)

Gene: RP1L1 (RP1 like 1). Cytogenetic location: 8p23.1.
Variant type: single nucleotide variant.
Coding change: c.3956C>G on transcript NM_178857.6 (MANE Select); coding-DNA position 3956, C replaced by G.
Protein change: p.Ala1319Gly; replaces alanine 1319 with glycine.
Molecular consequence: missense variant.
Genome position (GRCh38, 1-based): chr8:10,610,142, G>C on the plus strand (C>G on the coding strand, the complement: RP1L1 is on the minus strand). VCF-style: chr8-10610142-G-C. GRCh37 (hg19) VCF-style: chr8-10467652-G-C.
Other names: short protein forms A1319G.
Identifiers: ClinVar variation 361300 (VCV000361300.17), dbSNP rs4840501, ClinGen allele CA4624296.
Genomic context (GRCh38, chr8:10,610,142, plus strand): 5'-TCTAACTGCACCCCCTCTTCTTGCAGCCCTTCTTCTGTTTTAGTTTCCTCTAACTGCACC[G>C]CCTCTTCTTGCAGCCCTTCTCCTTCTGTTCCTTCTTTAGTTTCCTCTAATTGCACCTCTT-3'
Protein context (NP_849188.4, residues 1309-1329): GTEGEGLQEE[Ala1319Gly]VQLEETKTEE